The following is an entry in ClinVar:

NM_006734.4(HIVEP2):c.4096A>T (p.Ile1366Leu)

Gene: HIVEP2 (HIVEP zinc finger 2; minus strand). Cytogenetic location: 6q24.2.
Variant type: single nucleotide variant.
Coding change: c.4096A>T on transcript NM_006734.4 (MANE Select); coding-DNA position 4096, A replaced by T.
Protein change: p.Ile1366Leu; replaces isoleucine 1366 with leucine.
Molecular consequence: missense variant.
Genome position (GRCh38, 1-based): chr6:142,770,643, T>A on the plus strand (A>T on the coding strand, the complement: HIVEP2 is on the minus strand). VCF-style: chr6-142770643-T-A. GRCh37 (hg19) VCF-style: chr6-143091780-T-A.
Other names: c.4096A>T, p.Ile1366Leu (NM_001438449.1, NM_001438450.1, NM_001438451.1); short protein forms I1366L.
Identifiers: ClinVar variation 4874835 (VCV004874835.2).

ClinVar aggregate classification (germline): Uncertain significance (1 of 4 stars; one submission).

Submission:

CeGaT Center for Human Genetics Tuebingen
Classification: Uncertain significance. Last evaluated: 2026-05-01. Review status: criteria provided, single submitter. Criteria: CeGaT Center For Human Genetics Tuebingen Variant Classification Criteria Version 2. Collection method: clinical testing. Allele origin: germline. Affected: yes. Observed: 2 variant alleles.
Comment: HIVEP2: PM2